The following is an entry in ClinVar:

ClinVar aggregate classification (germline): Uncertain significance (1 of 4 stars; one submission).

gnomAD v4.1: 8 of 1,608,448 alleles (0.0005%); highest among the groups gnomAD compares: Non-Finnish European, 0.00017%; no homozygotes.

Submission:

Labcorp Genetics (formerly Invitae), Labcorp
Classification: Uncertain significance. Last evaluated: 2021-03-01. Review status: criteria provided, single submitter. Criteria: Invitae Variant Classification Sherloc (09022015). Collection method: clinical testing. Allele origin: germline.
Comment: This sequence change replaces histidine with tyrosine at codon 790 of the CTR9 protein (p.His790Tyr). The histidine residue is moderately conserved and there is a moderate physicochemical difference between histidine and tyrosine. In summary, the available evidence is currently insufficient to determine the role of this variant in disease. Therefore, it has been classified as a Variant of Uncertain Significance. Algorithms developed to predict the effect of missense changes on protein structure and function (SIFT, PolyPhen-2, Align-GVGD) all suggest that this variant is likely to be tolerated, but these predictions have not been confirmed by published functional studies and their clinical significance is uncertain. This variant has not been reported in the literature in individuals with CTR9-related conditions. This variant is not present in population databases (ExAC no frequency).

NM_014633.5(CTR9):c.2368C>T (p.His790Tyr)

Gene: CTR9 (CTR9 component of Paf1/RNA polymerase II complex; plus strand). Cytogenetic location: 11p15.4.
Variant type: single nucleotide variant.
Coding change: c.2368C>T on transcript NM_014633.5 (MANE Select); coding-DNA position 2368, C replaced by T.
Protein change: p.His790Tyr; replaces histidine 790 with tyrosine.
Molecular consequence: missense variant.
Genome position (GRCh38, 1-based): chr11:10,770,628, C>T. VCF-style: chr11-10770628-C-T. GRCh37 (hg19) VCF-style: chr11-10792175-C-T.
Other names: c.2368C>T, p.His790Tyr (NM_001346279.2); short protein forms H790Y.
Identifiers: ClinVar variation 1464879 (VCV001464879.8), dbSNP rs772369446, ClinGen allele CA379675390.